The following is an entry in ClinVar:

ClinVar aggregate classification (germline): Uncertain significance. Review status: criteria provided, multiple submitters, no conflicts (2 of 4 stars). 3 submissions from 3 submitters: Uncertain significance (3). Last evaluated 2025-11-01.

Conditions:
Autosomal recessive spinocerebellar ataxia 16. Identifiers: Orphanet 412057, MedGen C5190574, MONDO:0014339, OMIM 615768.

Allele frequency attached by ClinVar (database versions not stated): gnomAD exomes below 0.00001; TOPMed 0.00001.
gnomAD v4.1: 5 of 1,388,568 alleles (0.00036%); highest among the groups gnomAD compares: Non-Finnish European, 0.00047%; no homozygotes.

Submissions (3):

Medical Molecular Genetics, National Research Centre
Classification: Uncertain significance for Autosomal recessive spinocerebellar ataxia 16. Last evaluated: 2025-11-01. Review status: criteria provided, single submitter. Criteria: ACMG Guidelines, 2015. Collection method: research. Allele origin: inherited. Affected: yes.
Comment: It is extremely rare in population databases, with a very low allele frequency in gnomAD v4 exomes and no homozygotes reported. Multiple in silico prediction tools support a damaging effect on the protein and the affected residue shows moderate evolutionary conservation. Based on the currently available evidence, this variant is classified as a Variant of Uncertain Significance according to ACMG criteria (PM2, PP3).

Blueprint Genetics
Classification: Uncertain significance. Last evaluated: 2022-04-27. Review status: criteria provided, single submitter. Criteria: ACMG Guidelines, 2015. Collection method: clinical testing. Allele origin: germline.

CeGaT Center for Human Genetics Tuebingen
Classification: Uncertain significance. Last evaluated: 2019-12-01. Review status: criteria provided, single submitter. Criteria: CeGaT Center For Human Genetics Tuebingen Variant Classification Criteria Version 2. Collection method: clinical testing. Allele origin: germline. Affected: yes. Observed: 2 variant alleles.

NM_005861.4(STUB1):c.101A>G (p.Asn34Ser)

Gene: STUB1 (STIP1 homology and U-box containing protein 1; plus strand). Cytogenetic location: 16p13.3.
Variant type: single nucleotide variant.
Coding change: c.101A>G on transcript NM_005861.4 (MANE Select); coding-DNA position 101, A replaced by G.
Protein change: p.Asn34Ser; replaces asparagine 34 with serine.
Molecular consequence: missense variant. On other transcripts: 5 prime UTR variant (1).
Genome position (GRCh38, 1-based): chr16:680,626, A>G. VCF-style: chr16-680626-A-G. GRCh37 (hg19) VCF-style: chr16-730626-A-G.
Other names: c.-205A>G (NM_001293197.2); short protein forms N34S.
Identifiers: ClinVar variation 807330 (VCV000807330.44), dbSNP rs1046869202, ClinGen allele CA276564462.